The following is an entry in ClinVar:

NM_001395656.1(ROBO2):c.3917T>C (p.Leu1306Ser)

Gene: ROBO2 (roundabout guidance receptor 2; plus strand). Cytogenetic location: 3p12.3.
Variant type: single nucleotide variant.
Coding change: c.3917T>C on transcript NM_001395656.1 (MANE Select); coding-DNA position 3917, T replaced by C.
Protein change: p.Leu1306Ser; replaces leucine 1306 with serine.
Molecular consequence: missense variant. On other transcripts: intron variant (1).
Genome position (GRCh38, 1-based): chr3:77,635,014, T>C. VCF-style: chr3-77635014-T-C. GRCh37 (hg19) VCF-style: chr3-77684165-T-C.
Other names: c.3953T>C, p.Leu1318Ser (NM_001128929.3); c.3917T>C, p.Leu1306Ser (NM_001290039.2); c.4100T>C, p.Leu1367Ser (NM_001290040.2, NM_001394212.1, NM_001395657.1); c.2126T>C, p.Leu709Ser (NM_001290065.2); c.3965T>C, p.Leu1322Ser (NM_001378190.1, NM_001378200.1, NM_001378201.1); c.4091T>C, p.Leu1364Ser (NM_001378191.1, NM_001378195.1, NM_001378196.1); c.3986T>C, p.Leu1329Ser (NM_001378192.1, NM_001378198.1, NM_001378199.1); c.3905T>C, p.Leu1302Ser (NM_001378193.1, NM_002942.5); and 6 more; short protein forms L1318S, L1325S, L709S, L1322S, L1344S, L1367S, L1306S, L1364S.
Identifiers: ClinVar variation 2543596 (VCV002543596.5), dbSNP rs556228839, ClinGen allele CA77528732.

ClinVar aggregate classification (germline): Uncertain significance. Review status: criteria provided, multiple submitters, no conflicts (2 of 4 stars). 2 submissions from 2 submitters: Uncertain significance (2). Last evaluated 2023-07-26.

Conditions:
Inborn genetic diseases. Identifiers: MedGen C0950123, MeSH D030342.

Allele frequency attached by ClinVar (database versions not stated): gnomAD 0.00001; gnomAD exomes 0.00002; TOPMed 0.00002.
gnomAD v4.1: 23 of 1,613,984 alleles (0.0014%); highest among the groups gnomAD compares: Non-Finnish European, 0.0019%; no homozygotes.

Submissions (2):

Labcorp Genetics (formerly Invitae), Labcorp
Classification: Uncertain significance. Last evaluated: 2023-07-26. Review status: criteria provided, single submitter. Criteria: Invitae Variant Classification Sherloc (09022015). Collection method: clinical testing. Allele origin: germline.
Comment: This sequence change replaces leucine, which is neutral and non-polar, with serine, which is neutral and polar, at codon 1302 of the ROBO2 protein (p.Leu1302Ser). This variant is present in population databases (rs556228839, gnomAD 0.003%). This variant has not been reported in the literature in individuals affected with ROBO2-related conditions. ClinVar contains an entry for this variant (Variation ID: 2543596). Advanced modeling of protein sequence and biophysical properties (such as structural, functional, and spatial information, amino acid conservation, physicochemical variation, residue mobility, and thermodynamic stability) performed at Invitae indicates that this missense variant is not expected to disrupt ROBO2 protein function. In summary, the available evidence is currently insufficient to determine the role of this variant in disease. Therefore, it has been classified as a Variant of Uncertain Significance.

Ambry Genetics
Classification: Uncertain significance for Inborn genetic diseases. Last evaluated: 2023-05-04. Review status: criteria provided, single submitter. Criteria: Ambry Variant Classification Scheme 2023. Collection method: clinical testing. Allele origin: germline.